The following is an entry in ClinVar:

NM_001793.6(CDH3):c.1722C>T (p.Pro574=)

Gene: CDH3 (cadherin 3; plus strand). Cytogenetic location: 16q22.1.
Variant type: single nucleotide variant.
Coding change: c.1722C>T on transcript NM_001793.6 (MANE Select); coding-DNA position 1722, C replaced by T.
Protein change: p.Pro574=; no amino-acid change (proline 574 retained).
Molecular consequence: synonymous variant.
Genome position (GRCh38, 1-based): chr16:68,687,663, C>T. VCF-style: chr16-68687663-C-T. GRCh37 (hg19) VCF-style: chr16-68721566-C-T.
Other names: c.1722C>T, p.Pro574= (NM_001317195.3); c.1557C>T, p.Pro519= (NM_001317196.2).
Identifiers: ClinVar variation 743336 (VCV000743336.28), dbSNP rs748740405, ClinGen allele CA8129452.

ClinVar aggregate classification (germline): Likely benign. Review status: criteria provided, multiple submitters, no conflicts (2 of 4 stars). 2 submissions from 2 submitters: Likely benign (2). Last evaluated 2024-04-01.

Allele frequency attached by ClinVar (database versions not stated): gnomAD exomes below 0.00001; ExAC 0.00001; gnomAD 0.00001; TOPMed 0.00001.
gnomAD v4.1: 10 of 1,613,970 alleles (0.00062%); highest among the groups gnomAD compares: Middle Eastern, 0.016%; no homozygotes.

Submissions (2):

CeGaT Center for Human Genetics Tuebingen
Classification: Likely benign. Last evaluated: 2024-04-01. Review status: criteria provided, single submitter. Criteria: CeGaT Center For Human Genetics Tuebingen Variant Classification Criteria Version 2. Collection method: clinical testing. Allele origin: germline. Affected: yes. Observed: 1 variant allele.
Comment: CDH3: BP4, BP7

Labcorp Genetics (formerly Invitae), Labcorp
Classification: Likely benign. Last evaluated: 2022-03-09. Review status: criteria provided, single submitter. Criteria: Invitae Variant Classification Sherloc (09022015). Collection method: clinical testing. Allele origin: germline.